The following is an entry in ClinVar:

NM_025132.4(WDR19):c.1982+5G>A

Gene: WDR19 (WD repeat domain 19; plus strand). Cytogenetic location: 4p14.
Variant type: single nucleotide variant.
Coding change: c.1982+5G>A on transcript NM_025132.4 (MANE Select); 5 bases into the intron after coding-DNA position 1982, G replaced by A.
Molecular consequence: intron variant.
Genome position (GRCh38, 1-based): chr4:39,228,695, G>A. VCF-style: chr4-39228695-G-A. GRCh37 (hg19) VCF-style: chr4-39230315-G-A.
Other names: c.1502+5G>A (NM_001317924.2).
Identifiers: ClinVar variation 4786660 (VCV004786660.2).

ClinVar aggregate classification (germline): Conflicting classifications of pathogenicity. Review status: criteria provided, conflicting classifications (1 of 4 stars). 2 submissions from 2 submitters: Likely pathogenic (1); Uncertain significance (1). Last evaluated 2025-11-15.

Conditions:
WDR19-related disorder. Also called: WDR19-related condition; WDR19-related disorders. Identifiers: MedGen CN380161.
Asphyxiating thoracic dystrophy 5 (SRTD5). Also called: SHORT-RIB THORACIC DYSPLASIA 5 WITH OR WITHOUT POLYDACTYLY; SHORT-RIB THORACIC DYSPLASIA 5 WITHOUT POLYDACTYLY. Identifiers: Orphanet 474, MedGen C3280598, MONDO:0013717, OMIM 614376.
Senior-Loken syndrome 8 (SLSN8). Identifiers: Orphanet 3156, MedGen C4225376, MONDO:0014579, OMIM 616307.

gnomAD v4.1: 2 of 1,537,402 alleles (0.00013%); highest among the groups gnomAD compares: East Asian, 0.0023%; no homozygotes.

Submissions (2):

Labcorp Genetics (formerly Invitae), Labcorp
Classification: Uncertain significance for Senior-Loken syndrome 8; Asphyxiating thoracic dystrophy 5. Last evaluated: 2025-11-15. Review status: criteria provided, single submitter. Criteria: Invitae Variant Classification Sherloc (09022015). Collection method: clinical testing. Allele origin: germline.
Comment: This sequence change falls in intron 17 of the WDR19 gene. It does not directly change the encoded amino acid sequence of the WDR19 protein. It affects a nucleotide within the consensus splice site. This variant is not present in population databases (gnomAD no frequency). This variant has not been reported in the literature in individuals affected with WDR19-related conditions. Variants that disrupt the consensus splice site are a relatively common cause of aberrant splicing (PMID: 17576681, 9536098). Algorithms developed to predict the effect of sequence changes on RNA splicing suggest that this variant may disrupt the consensus splice site. In summary, the available evidence is currently insufficient to determine the role of this variant in disease. Therefore, it has been classified as a Variant of Uncertain Significance.

Blueprint Genetics
Classification: Likely pathogenic for WDR19-related disorders. Last evaluated: 2017-07-19. Review status: criteria provided, single submitter. Criteria: ACMG Guidelines, 2015. Collection method: clinical testing. Allele origin: germline. Affected: yes. Observed: 1 variant allele.

Literature cited by the submitters: PubMed 17576681 (cited by Labcorp Genetics (formerly Invitae), Labcorp); PubMed 9536098 (cited by Labcorp Genetics (formerly Invitae), Labcorp).